The following is an entry in ClinVar:

ClinVar aggregate classification (germline): Likely pathogenic (1 of 4 stars; one submission).

Conditions:
ANK1-related disorder. Also called: ANK1-related condition.

Submission:

PreventionGenetics, part of Exact Sciences
Classification: Likely pathogenic for ANK1-related condition. Last evaluated: 2025-05-01. Review status: criteria provided, single submitter. Criteria: ACMG Guidelines, 2015. Collection method: clinical testing. Allele origin: germline.
Comment: The ANK1 c.1223delT variant is predicted to result in a frameshift and premature protein termination (p.Leu408Profs*13). To our knowledge, this variant has not been reported in the literature or in a large population database (gnomAD), indicating this variant is rare. Frameshift variants in ANK1 are expected to be pathogenic. This variant is interpreted as likely pathogenic.

NM_000037.4(ANK1):c.1223del (p.Leu408fs)

Gene: ANK1 (ankyrin 1; minus strand). Cytogenetic location: 8p11.21.
Variant type: Deletion.
Coding change: c.1223del on transcript NM_000037.4 (MANE Select); coding-DNA position 1223, one base deleted (T; older notation c.1223delT).
Protein change: p.Leu408fs; shifts the reading frame from leucine 408.
Molecular consequence: frameshift variant.
Genome position (GRCh38, 1-based): chr8:41,717,686, A deleted on the plus strand (T on the coding strand, the reverse complement: ANK1 is on the minus strand). VCF-style (leftmost placement, unchanged base first): chr8-41717685-GA-G. GRCh37 (hg19) VCF-style: chr8-41575203-GA-G.
Other names: c.1322del, p.Leu441fs (NM_001142446.2); c.1223del, p.Leu408fs (NM_020475.3, NM_020476.3, NM_020477.3); short protein forms L408fs, L441fs.
Identifiers: ClinVar variation 5000328 (VCV005000328.1).